The following is an entry in ClinVar:

ClinVar aggregate classification (germline): Uncertain significance (1 of 4 stars; one submission).

Conditions:
Cardiovascular phenotype. Identifiers: MedGen CN230736.

Submission:

Ambry Genetics
Classification: Uncertain significance for Cardiovascular phenotype. Last evaluated: 2026-07-24. Review status: criteria provided, single submitter. Criteria: Ambry Variant Classification Scheme 2023. Collection method: clinical testing. Allele origin: germline.
Comment: The c.4571+5G>A intronic variant results from a G to A substitution 5 nucleotides after coding exon 7 in the ALPK3 gene. This nucleotide position is well conserved in available vertebrate species. In silico splice site analysis predicts that this alteration will result in the creation or strengthening of a novel splice donor site. Based on the available evidence, the clinical significance of this variant remains unclear.

NM_020778.5(ALPK3):c.3965+5G>A

Gene: ALPK3 (alpha kinase 3; plus strand). Cytogenetic location: 15q25.3.
Variant type: single nucleotide variant.
Coding change: c.3965+5G>A on transcript NM_020778.5 (MANE Select); 5 bases into the intron after coding-DNA position 3965, G replaced by A.
Molecular consequence: intron variant.
Genome position (GRCh38, 1-based): chr15:84,859,395, G>A. VCF-style: chr15-84859395-G-A. GRCh37 (hg19) VCF-style: chr15-85402626-G-A.
Identifiers: ClinVar variation 1741574 (VCV001741574.3), dbSNP rs2505724118, ClinGen allele CA2580090150.